The following is an entry in ClinVar:

NM_004341.5(CAD):c.5365C>T (p.Arg1789Ter)

Gene: CAD (carbamoyl-phosphate synthetase 2, aspartate transcarbamylase, and dihydroorotase; plus strand). Cytogenetic location: 2p23.3.
Variant type: single nucleotide variant.
Coding change: c.5365C>T on transcript NM_004341.5 (MANE Select); coding-DNA position 5365, C replaced by T.
Protein change: p.Arg1789Ter; replaces arginine 1789 with a stop codon.
Molecular consequence: nonsense.
Genome position (GRCh38, 1-based): chr2:27,239,442, C>T. VCF-style: chr2-27239442-C-T. GRCh37 (hg19) VCF-style: chr2-27462310-C-T.
Other names: c.5176C>T, p.Arg1726Ter (NM_001306079.2); short protein forms R1789*, R1726*.
Identifiers: ClinVar variation 374831 (VCV000374831.10), dbSNP rs62130681, ClinGen allele CA1573827.

ClinVar aggregate classification (germline): Pathogenic. Review status: criteria provided, multiple submitters, no conflicts (2 of 4 stars). 4 submissions from 4 submitters: Pathogenic (3). 1 of the submissions does not count toward it. Last evaluated 2025-06-06.

Conditions:
Developmental and epileptic encephalopathy, 50 (DEE50). Also called: Epileptic encephalopathy, early infantile, 50. Identifiers: Orphanet 448010, MedGen C4225320, MONDO:0014647, OMIM 616457.

Allele frequency attached by ClinVar (database versions not stated): gnomAD exomes below 0.00001 and 0.00001; ExAC 0.00001; gnomAD 0.00002; TOPMed 0.00002.
gnomAD v4.1: 4 of 1,613,754 alleles (0.00025%); highest among the groups gnomAD compares: African/African-American, 0.0027%; no homozygotes.

Submissions (4):

GeneDx
Classification: Pathogenic. Last evaluated: 2025-06-06. Review status: criteria provided, single submitter. Criteria: GeneDx Variant Classification Process June 2021. Collection method: clinical testing. Allele origin: germline. Affected: yes.
Comment: Nonsense variant predicted to result in protein truncation or nonsense mediated decay in a gene for which loss of function is a known mechanism of disease; Not observed at significant frequency in large population cohorts (gnomAD); This variant is associated with the following publications: (PMID: 32117025, 35242569, 33497533, 34638594, 32820246, 28007989)

Labcorp Genetics (formerly Invitae), Labcorp
Classification: Pathogenic. Last evaluated: 2024-12-15. Review status: criteria provided, single submitter. Criteria: Invitae Variant Classification Sherloc (09022015). Collection method: clinical testing. Allele origin: germline.
Comment: This sequence change creates a premature translational stop signal (p.Arg1789*) in the CAD gene. It is expected to result in an absent or disrupted protein product. Loss-of-function variants in CAD are known to be pathogenic (PMID: 28007989, 32117025, 32820246, 33497533). This variant is present in population databases (rs62130681, gnomAD 0.004%). This premature translational stop signal has been observed in individual(s) with epileptic encephalopathy (PMID: 28007989). ClinVar contains an entry for this variant (Variation ID: 374831). For these reasons, this variant has been classified as Pathogenic.

Institute of Human Genetics Munich, TUM University Hospital
Classification: Pathogenic for Developmental and epileptic encephalopathy, 50. Last evaluated: 2017-09-08. Review status: criteria provided, single submitter. Criteria: Classification criteria August 2017. Collection method: clinical testing. Allele origin: paternal. Inheritance: Autosomal recessive inheritance. Affected: yes. Observed: 1 compound heterozygote.

OMIM
Classification: Pathogenic for DEVELOPMENTAL AND EPILEPTIC ENCEPHALOPATHY 50. Last evaluated: 2020-11-11. Review status: no assertion criteria provided. Collection method: literature only. Allele origin: germline. Not counted in ClinVar's aggregate classification.

Literature cited by the submitters: PubMed 28007989 (cited by Labcorp Genetics (formerly Invitae), Labcorp and OMIM); PubMed 32117025 (cited by Labcorp Genetics (formerly Invitae), Labcorp); PubMed 32820246 (cited by Labcorp Genetics (formerly Invitae), Labcorp); PubMed 33497533 (cited by Labcorp Genetics (formerly Invitae), Labcorp).